The following is an entry in ClinVar:

NM_000443.4(ABCB4):c.837T>A (p.Tyr279Ter)

Gene: ABCB4 (ATP binding cassette subfamily B member 4; minus strand). Cytogenetic location: 7q21.12.
Variant type: single nucleotide variant.
Coding change: c.837T>A on transcript NM_000443.4 (MANE Select); coding-DNA position 837, T replaced by A.
Protein change: p.Tyr279Ter; replaces tyrosine 279 with a stop codon.
Molecular consequence: nonsense.
Genome position (GRCh38, 1-based): chr7:87,447,202, A>T on the plus strand (T>A on the coding strand, the complement: ABCB4 is on the minus strand). VCF-style: chr7-87447202-A-T. GRCh37 (hg19) VCF-style: chr7-87076518-A-T.
Other names: c.837T>A, p.Tyr279Ter (NM_018849.3, NM_018850.3); short protein forms Y279*.
Identifiers: ClinVar variation 4846677 (VCV004846677.1).

ClinVar aggregate classification (germline): Pathogenic (1 of 4 stars; one submission).

Conditions:
Familial intrahepatic cholestasis. Identifiers: Orphanet 284385, MedGen CN296401, MONDO:0017290.

gnomAD v4.1: 1 of 1,612,740 alleles (0.000062%); highest among the groups gnomAD compares: Non-Finnish European, 0.000085%; no homozygotes.

Submission:

Genomenon, Inc
Classification: Pathogenic for Familial intrahepatic cholestasis. Last evaluated: 2026-04-14. Review status: criteria provided, single submitter. Criteria: Genomenon Sequence Variant Interpretation Standards - Updated. Collection method: curation. Allele origin: germline. Affected: yes.
Comment: ABCB4 p.Tyr279Ter (c.837T>A) is a nonsense variant that introduces a premature stop codon at amino acid position 279, creating a truncated protein that is predicted to undergo nonsense-mediated mRNA decay. This variant has been observed in at least one proband with an ABCB4-related disorder (PMID:21119540). It is absent or not present at a significant frequency in gnomAD. In conclusion, we classify ABCB4 p.Tyr279Ter (c.837T>A) as a pathogenic variant.

Literature cited by the submitters: PubMed 21119540.